The following is an entry in ClinVar:

NM_006180.6(NTRK2):c.288-1G>A

Gene: NTRK2 (neurotrophic receptor tyrosine kinase 2; plus strand). Cytogenetic location: 9q21.33.
Variant type: single nucleotide variant.
Coding change: c.288-1G>A on transcript NM_006180.6 (MANE Select); the canonical splice acceptor site of the intron before coding-DNA position 288, G replaced by A.
Molecular consequence: splice acceptor variant.
Genome position (GRCh38, 1-based): chr9:84,702,347, G>A. VCF-style: chr9-84702347-G-A. GRCh37 (hg19) VCF-style: chr9-87317262-G-A.
Other names: c.288-1G>A (NM_001369532.1, NM_001369533.1, NM_001018066.3 and 18 more transcripts); c.-181-1G>A (NM_001369536.1, NM_001369535.1, NM_001369550.1 and 1 more transcripts).
Identifiers: ClinVar variation 3344851 (VCV003344851.2).

ClinVar aggregate classification (germline): Uncertain significance. Review status: criteria provided, single submitter (1 of 4 stars). 2 submissions from 2 submitters: Uncertain significance (1). 1 of the submissions does not count toward it. Last evaluated 2026-03-07.

Conditions:
NTRK2-related disorder. Also called: NTRK2-related condition.

Submissions (2):

GeneDx
Classification: Uncertain significance. Last evaluated: 2026-03-07. Review status: criteria provided, single submitter. Criteria: GeneDx Variant Classification Process June 2021. Collection method: clinical testing. Allele origin: germline.
Comment: Not observed at significant frequency in large population cohorts (gnomAD); Canonical splice site variant with an unclear effect on protein function; Has not been previously published as pathogenic or benign to our knowledge

PreventionGenetics, part of Exact Sciences
Classification: Uncertain significance for NTRK2-related condition. Last evaluated: 2024-08-26. Review status: no assertion criteria provided. Collection method: clinical testing. Allele origin: germline. Not counted in ClinVar's aggregate classification.
Comment: The NTRK2 c.288-1G>A variant is predicted to disrupt the AG splice acceptor site and interfere with normal splicing. To our knowledge, this variant has not been reported in the literature or in a large population database, indicating this variant is rare. Loss of function is not an established mechanism of NTRK2-associated diseases. At this time, the clinical significance of this variant is uncertain due to the absence of conclusive functional and genetic evidence.